The following is an entry in ClinVar:

NR_199791.1(RNU2-2):n.135C>T

Genes: RNU2-2 (RNA, U2 small nuclear 2; minus strand), WDR74 (WD repeat domain 74; minus strand). Cytogenetic location: 11q12.3.
Variant type: single nucleotide variant.
Molecular consequence: non-coding transcript variant (on NR_199791.1). On other transcripts: 5 prime UTR variant (1).
Genome position: GRCh38 VCF-style: chr11-62841675-G-A. GRCh37 (hg19) VCF-style: chr11-62609147-G-A.
Other names: c.-404C>T (NM_001369451.1).
Identifiers: ClinVar variation 4681762 (VCV004681762.5).
Genomic context (GRCh38, chr11:62,841,675, plus strand): 5'-GAAGGGAGAGTGCACCGTTCCTGGAAGTACTGCAATACCAGGTCGATGCGTGGAGTGGAC[G>A]GAGCAAGCTCCTATTCCATCTCCTATTTCCAAAAATCCATTTAATATATTGTCCTCGGAT-3'

ClinVar aggregate classification (germline): Likely benign (1 of 4 stars; one submission).

Submission:

CeGaT Center for Human Genetics Tuebingen
Classification: Likely benign. Last evaluated: 2025-12-01. Review status: criteria provided, single submitter. Criteria: CeGaT Center For Human Genetics Tuebingen Variant Classification Criteria Version 2. Collection method: clinical testing. Allele origin: germline. Affected: yes. Observed: 1 variant allele.
Comment: RNU2-2: BS1